The following is an entry in ClinVar:

ClinVar aggregate classification (germline): Uncertain significance (1 of 4 stars; one submission).

Conditions:
Autosomal dominant nocturnal frontal lobe epilepsy 5. Also called: KCNT1-Related Epilepsy; CILIARY DYSKINESIA, PRIMARY, 28, WITHOUT SITUS INVERSUS; CILIARY DYSKINESIA, PRIMARY, 28, WITH SITUS INVERSUS; Epilepsy, nocturnal frontal lobe, 5. Identifiers: Orphanet 98784, MedGen C3554306, MONDO:0014002, OMIM 615005.
Developmental and epileptic encephalopathy, 14 (DEE14). Also called: Early infantile epileptic encephalopathy 14. Identifiers: Orphanet 293181, MedGen C3554195, MONDO:0013989, OMIM 614959.

gnomAD v4.1: 4 of 1,612,628 alleles (0.00025%); highest among the groups gnomAD compares: East Asian, 0.0045%; no homozygotes.

Submission:

Labcorp Genetics (formerly Invitae), Labcorp
Classification: Uncertain significance for Autosomal dominant nocturnal frontal lobe epilepsy 5; Developmental and epileptic encephalopathy, 14. Last evaluated: 2024-11-18. Review status: criteria provided, single submitter. Criteria: Invitae Variant Classification Sherloc (09022015). Collection method: clinical testing. Allele origin: germline.
Comment: This sequence change replaces isoleucine, which is neutral and non-polar, with valine, which is neutral and non-polar, at codon 333 of the KCNT1 protein (p.Ile333Val). This variant is not present in population databases (gnomAD no frequency). This variant has not been reported in the literature in individuals affected with KCNT1-related conditions. Invitae Evidence Modeling of protein sequence and biophysical properties (such as structural, functional, and spatial information, amino acid conservation, physicochemical variation, residue mobility, and thermodynamic stability) indicates that this missense variant is not expected to disrupt KCNT1 protein function with a negative predictive value of 80%. In summary, the available evidence is currently insufficient to determine the role of this variant in disease. Therefore, it has been classified as a Variant of Uncertain Significance.

NM_020822.3(KCNT1):c.997A>G (p.Ile333Val)

Gene: KCNT1 (potassium sodium-activated channel subfamily T member 1; plus strand). Cytogenetic location: 9q34.3.
Variant type: single nucleotide variant.
Coding change: c.997A>G on transcript NM_020822.3 (MANE Select); coding-DNA position 997, A replaced by G.
Protein change: p.Ile333Val; replaces isoleucine 333 with valine.
Molecular consequence: missense variant.
Genome position (GRCh38, 1-based): chr9:135,759,821, A>G. VCF-style: chr9-135759821-A-G. GRCh37 (hg19) VCF-style: chr9-138651667-A-G.
Other names: c.862A>G, p.Ile288Val (NM_001272003.2); short protein forms I288V, I333V.
Identifiers: ClinVar variation 3751837 (VCV003751837.2).